The following is an entry in ClinVar:

ClinVar aggregate classification (germline): Uncertain significance (1 of 4 stars; one submission).

gnomAD v4.1: 2 of 1,612,878 alleles (0.00012%); highest among the groups gnomAD compares: Non-Finnish European, 0.00017%; no homozygotes.

Submission:

GeneDx
Classification: Uncertain significance. Last evaluated: 2023-12-27. Review status: criteria provided, single submitter. Criteria: GeneDx Variant Classification Process June 2021. Collection method: clinical testing. Allele origin: germline. Affected: yes.
Comment: Not observed at significant frequency in large population cohorts (gnomAD); In silico analysis supports that this missense variant does not alter protein structure/function; Has not been previously published as pathogenic or benign to our knowledge

NM_032634.4(PIGO):c.2101A>G (p.Met701Val)

Gene: PIGO (phosphatidylinositol glycan anchor biosynthesis class O; minus strand). Cytogenetic location: 9p13.3.
Variant type: single nucleotide variant.
Coding change: c.2101A>G on transcript NM_032634.4 (MANE Select); coding-DNA position 2101, A replaced by G.
Protein change: p.Met701Val; replaces methionine 701 with valine.
Molecular consequence: missense variant. On other transcripts: intron variant (2).
Genome position (GRCh38, 1-based): chr9:35,091,786, T>C on the plus strand (A>G on the coding strand, the complement: PIGO is on the minus strand). VCF-style: chr9-35091786-T-C. GRCh37 (hg19) VCF-style: chr9-35091783-T-C.
Other names: c.1345-495A>G (NM_152850.4, NM_001201484.2); short protein forms M701V.
Identifiers: ClinVar variation 3370065 (VCV003370065.1).